The following is an entry in ClinVar:

NM_173660.5(DOK7):c.1263del (p.Ser422fs)

Gene: DOK7 (docking protein 7; plus strand). Cytogenetic location: 4p16.3.
Variant type: Deletion.
Coding change: c.1263del on transcript NM_173660.5 (MANE Select); coding-DNA position 1263, one base deleted (C; older notation c.1263delC).
Protein change: p.Ser422fs; shifts the reading frame from serine 422.
Molecular consequence: frameshift variant. On other transcripts: 3 prime UTR variant (1).
Genome position (GRCh38, 1-based): chr4:3,493,249, C deleted; the last of 7 consecutive C bases (chr4:3,493,243-3,493,249); deleting any one gives the same sequence. VCF-style (leftmost placement, unchanged base first): chr4-3493242-GC-G. GRCh37 (hg19) VCF-style: chr4-3494969-GC-G.
Other names: p.Ser422Hisfs*34; c.1263delC (NM_173660.4); c.*484del (NM_001164673.2); c.333del, p.Ser112fs (NM_001256896.2); c.1263del, p.Ser422fs (NM_001301071.2); c.831del, p.Ser278fs (NM_001363811.2); short protein forms S112fs, S422fs, S278fs.
Identifiers: ClinVar variation 242521 (VCV000242521.22), dbSNP rs606231129, ClinGen allele CA351335.

ClinVar aggregate classification (germline): Pathogenic/Likely pathogenic. Review status: criteria provided, multiple submitters, no conflicts (2 of 4 stars). 7 submissions from 7 submitters: Pathogenic (6); Likely pathogenic (1). Last evaluated 2025-10-02.

Conditions:
Fetal akinesia deformation sequence 3. Identifiers: MedGen C4760599, MONDO:0100103, OMIM 618389.
Congenital myasthenic syndrome 10. Also called: Myasthenia, limb-girdle, familial. Identifiers: Orphanet 590, MedGen C1850792, MONDO:0009690, OMIM 254300.
Fetal akinesia deformation sequence 1 (FADS1). Also called: Pena-Shokeir syndrome type I; Fetal akinesia sequence. Identifiers: Orphanet 994, MedGen C1276035, MONDO:0100101, OMIM 208150, HP:0001989.

Submissions (7):

Labcorp Genetics (formerly Invitae), Labcorp
Classification: Pathogenic for Congenital myasthenic syndrome 10; Fetal akinesia deformation sequence 1. Last evaluated: 2025-10-02. Review status: criteria provided, single submitter. Criteria: Invitae Variant Classification Sherloc (09022015). Collection method: clinical testing. Allele origin: germline.
Comment: This sequence change creates a premature translational stop signal (p.Ser422Hisfs*34) in the DOK7 gene. While this is not anticipated to result in nonsense mediated decay, it is expected to disrupt the last 83 amino acid(s) of the DOK7 protein. The frequency data for this variant in the population databases is considered unreliable, as metrics indicate poor data quality at this position in the gnomAD database. This premature translational stop signal has been observed in individuals with clinical features of congenital myasthenic syndrome and/or developmental delay and exercise intolerance (PMID: 18626973, 23219351, 25326637, 31618753). ClinVar contains an entry for this variant (Variation ID: 242521). This variant disrupts the C-terminus of the DOK7 protein. Other variant(s) that disrupt this region (p.Gly479Hisfs*13, p.Gln460*) have been observed in individuals with DOK7-related conditions (PMID: 20012313, 20458068). This suggests that this may be a clinically significant region of the protein. For these reasons, this variant has been classified as Pathogenic.

Mayo Clinic Laboratories, Mayo Clinic
Classification: Pathogenic. Last evaluated: 2025-06-10. Review status: criteria provided, single submitter. Criteria: ACMG Guidelines, 2015. Collection method: clinical testing. Allele origin: germline. Observed: 1 variant allele.
Comment: PM2_supporting, PM3_very_strong, PM5, PS4_moderate, PVS1_moderate

3billion
Classification: Pathogenic for Congenital myasthenic syndrome 10. Last evaluated: 2024-02-26. Review status: criteria provided, single submitter. Criteria: ACMG Guidelines, 2015. Collection method: clinical testing. Allele origin: germline. Affected: yes.
Comment: The variant is observed at an extremely low frequency in the gnomAD v2.1.1 dataset (total allele frequency: 0.001%). Predicted Consequence/Location: Frameshift: predicted to result in a loss or disruption of normal protein function through protein truncation. The predicted truncated protein may be shortened by more than 10%. The variant has been reported to be in trans with a pathogenic variant as either compound heterozygous or homozygous in at least one similarly affected unrelated individual (PMID: 31618753). The variant has been reported at least twice as pathogenic with clinical assertions and evidence for the classification (ClinVar ID: VCV000242521 /PMID: 18626973 /3billion dataset). Therefore, this variant is classified as Pathogenic according to the recommendation of ACMG/AMP guideline.

Baylor Genetics
Classification: Pathogenic for Fetal akinesia deformation sequence 3. Last evaluated: 2024-02-10. Review status: criteria provided, single submitter. Criteria: ACMG Guidelines, 2015. Collection method: clinical testing. Allele origin: unknown.

GeneDx
Classification: Pathogenic. Last evaluated: 2023-02-22. Review status: criteria provided, single submitter. Criteria: GeneDx Variant Classification Process June 2021. Collection method: clinical testing. Allele origin: germline. Affected: yes.
Comment: Frameshift variant predicted to result in protein truncation, as the last 83 amino acids are replaced with 33 different amino acids, and other loss-of-function variants have been reported downstream in the Human Gene Mutation Database (HGMD); Not observed at significant frequency in large population cohorts (gnomAD); This variant is associated with the following publications: (PMID: 18626973, 23219351, 22661499, 31618753)

MGZ Medical Genetics Center
Classification: Likely pathogenic for Congenital myasthenic syndrome 10. Last evaluated: 2021-11-08. Review status: criteria provided, single submitter. Criteria: ACMG Guidelines, 2015. Collection method: clinical testing. Allele origin: germline. Affected: yes. Observed: 1 variant allele.
Comment: ACMG criteria applied: PVS1, PM2_SUP

Revvity Omics, Revvity
Classification: Pathogenic. Last evaluated: 2020-03-17. Review status: criteria provided, single submitter. Criteria: ACMG Guidelines, 2015. Collection method: clinical testing. Allele origin: germline.

Literature cited by the submitters: PubMed 18626973 (cited by 3 submitters); PubMed 23219351 (cited by Labcorp Genetics (formerly Invitae), Labcorp and Mayo Clinic Laboratories, Mayo Clinic); PubMed 25326637 (cited by Labcorp Genetics (formerly Invitae), Labcorp and Mayo Clinic Laboratories, Mayo Clinic); PubMed 31618753 (cited by 3 submitters); PubMed 20012313 (cited by Labcorp Genetics (formerly Invitae), Labcorp); PubMed 20458068 (cited by Labcorp Genetics (formerly Invitae), Labcorp); PubMed 37303354 (cited by Mayo Clinic Laboratories, Mayo Clinic); PubMed 37688281 (cited by Mayo Clinic Laboratories, Mayo Clinic).